The following is an entry in ClinVar:

ClinVar aggregate classification (germline): Pathogenic/Likely pathogenic. Review status: criteria provided, multiple submitters, no conflicts (2 of 4 stars). 2 submissions from 2 submitters: Pathogenic (1); Likely pathogenic (1). Last evaluated 2025-12-17.

Conditions:
Stickler syndrome type 1 (STL1). Also called: COL2A1-Related Stickler Syndrome; ARTHROOPHTHALMOPATHY, HEREDITARY PROGRESSIVE; STICKLER SYNDROME, MEMBRANOUS VITREOUS TYPE; STICKLER SYNDROME, VITREOUS TYPE 1. Identifiers: Orphanet 828, Orphanet 90653, MedGen C2020284, MONDO:0007160, OMIM 108300.

Submissions (2):

Labcorp Genetics (formerly Invitae), Labcorp
Classification: Likely pathogenic. Last evaluated: 2025-12-17. Review status: criteria provided, single submitter. Criteria: Invitae Variant Classification Sherloc (09022015). Collection method: clinical testing. Allele origin: germline.
Comment: This sequence change affects a donor splice site in intron 28 of the COL2A1 gene. It is expected to disrupt RNA splicing. Variants that disrupt the donor or acceptor splice site typically lead to a loss of protein function (PMID: 16199547), and loss-of-function variants in COL2A1 are known to be pathogenic (PMID: 20179744). This variant is not present in population databases (gnomAD no frequency). Disruption of this splice site has been observed in individual(s) with Stickler syndrome (PMID: 16752401). ClinVar contains an entry for this variant (Variation ID: 1300141). Algorithms developed to predict the effect of sequence changes on RNA splicing suggest that this variant may disrupt the consensus splice site. In summary, the currently available evidence indicates that the variant is pathogenic, but additional data are needed to prove that conclusively. Therefore, this variant has been classified as Likely Pathogenic.

Molecular Diagnostics Laboratory, M Health Fairview: University of Minnesota
Classification: Pathogenic for Stickler syndrome type 1. Last evaluated: 2021-07-29. Review status: criteria provided, single submitter. Criteria: ACMG Guidelines, 2015. Collection method: clinical testing. Allele origin: germline. Affected: yes.

Literature cited by the submitters: PubMed 16199547 (cited by Labcorp Genetics (formerly Invitae), Labcorp); PubMed 20179744 (cited by Labcorp Genetics (formerly Invitae), Labcorp); PubMed 16752401 (cited by Labcorp Genetics (formerly Invitae), Labcorp).

NM_001844.5(COL2A1):c.1887+1G>A

Gene: COL2A1 (collagen type II alpha 1 chain; minus strand). Cytogenetic location: 12q13.11.
Variant type: single nucleotide variant.
Coding change: c.1887+1G>A on transcript NM_001844.5 (MANE Select); the canonical splice donor site of the intron after coding-DNA position 1887, G replaced by A.
Molecular consequence: splice donor variant.
Genome position (GRCh38, 1-based): chr12:47,984,545, C>T on the plus strand (G>A on the coding strand, the complement: COL2A1 is on the minus strand). VCF-style: chr12-47984545-C-T. GRCh37 (hg19) VCF-style: chr12-48378328-C-T.
Other names: c.1680+1G>A (NM_033150.3).
Identifiers: ClinVar variation 1300141 (VCV001300141.2), dbSNP rs2136561510, ClinGen allele CA384549269.